The following is an entry in ClinVar:

NM_004329.3(BMPR1A):c.261A>G (p.Glu87=)

Gene: BMPR1A (bone morphogenetic protein receptor type 1A; plus strand). Cytogenetic location: 10q23.2.
Variant type: single nucleotide variant.
Coding change: c.261A>G on transcript NM_004329.3 (MANE Select); coding-DNA position 261, A replaced by G.
Protein change: p.Glu87=; no amino-acid change (glutamic acid 87 retained).
Molecular consequence: synonymous variant.
Genome position (GRCh38, 1-based): chr10:86,892,157, A>G. VCF-style: chr10-86892157-A-G. GRCh37 (hg19) VCF-style: chr10-88651914-A-G.
Identifiers: ClinVar variation 631057 (VCV000631057.9), dbSNP rs1564715455, ClinGen allele CA470305041.

ClinVar aggregate classification (germline): Benign/Likely benign. Review status: criteria provided, multiple submitters, no conflicts (2 of 4 stars). 4 submissions from 4 submitters: Benign (1); Likely benign (3). Last evaluated 2024-07-31.

Conditions:
Juvenile polyposis syndrome (JPS). Identifiers: Orphanet 2929, MedGen C0345893, MONDO:0017380, OMIM 174900.
Hereditary cancer-predisposing syndrome. Also called: Hereditary Cancer Syndrome; Neoplastic Syndromes, Hereditary; Tumor predisposition; Hereditary neoplastic syndrome. Identifiers: Orphanet 140162, MedGen C0027672, MeSH D009386, MONDO:0015356.

Submissions (4):

Myriad Genetics, Inc.
Classification: Benign for Juvenile polyposis syndrome. Last evaluated: 2024-07-31. Review status: criteria provided, single submitter. Criteria: Myriad Autosomal Dominant, Autosomal Recessive and X-Linked Classification Criteria (2023). Collection method: clinical testing. Allele origin: unknown.
Comment: This variant is considered benign. This variant is a silent/synonymous amino acid change and it is not expected to impact splicing.

Labcorp Genetics (formerly Invitae), Labcorp
Classification: Likely benign for Juvenile polyposis syndrome. Last evaluated: 2024-04-25. Review status: criteria provided, single submitter. Criteria: Invitae Variant Classification Sherloc (09022015). Collection method: clinical testing. Allele origin: germline.

Ambry Genetics
Classification: Likely benign for Hereditary cancer-predisposing syndrome. Last evaluated: 2019-11-22. Review status: criteria provided, single submitter. Criteria: Ambry Variant Classification Scheme 2023. Collection method: clinical testing. Allele origin: germline.

Color Diagnostics, LLC DBA Color Health
Classification: Likely benign for Hereditary cancer-predisposing syndrome. Last evaluated: 2017-12-19. Review status: criteria provided, single submitter. Criteria: ACMG Guidelines, 2015. Collection method: clinical testing. Allele origin: germline.